The following is an entry in ClinVar:

NM_000341.4(SLC3A1):c.473A>C (p.Lys158Thr)

Gene: SLC3A1 (solute carrier family 3 member 1; plus strand). Cytogenetic location: 2p21.
Variant type: single nucleotide variant.
Coding change: c.473A>C on transcript NM_000341.4 (MANE Select); coding-DNA position 473, A replaced by C.
Protein change: p.Lys158Thr; replaces lysine 158 with threonine.
Molecular consequence: missense variant.
Genome position (GRCh38, 1-based): chr2:44,280,758, A>C. VCF-style: chr2-44280758-A-C. GRCh37 (hg19) VCF-style: chr2-44507897-A-C.
Other names: short protein forms K158T.
Identifiers: ClinVar variation 4292261 (VCV004292261.1).
Genomic context (GRCh38, chr2:44,280,758, plus strand): 5'-TTTGACTTTTTTCTTCAGGTATTCAAGATAAACTGGACTACATCACAGCTTTAAATATAA[A>C]AACTGTTTGGATTACTTCATTTTATAAATCGTCCCTTAAAGATTTCAGATATGGTGTTGA-3'
Protein context (NP_000332.2, residues 148-168): KLDYITALNI[Lys158Thr]TVWITSFYKS

ClinVar aggregate classification (germline): Uncertain significance (1 of 4 stars; one submission).

Conditions:
Cystinuria (CSNU). Also called: CYSTINURIA, TYPE I; CYSTINURIA, TYPE II; CYSTINURIA, TYPE III; Cystinuria, non-type I. Identifiers: Orphanet 214, MedGen C0010691, MONDO:0009067, OMIM 220100, HP:0003131.

Submission:

3billion
Classification: Uncertain significance for Cystinuria. Last evaluated: 2025-01-23. Review status: criteria provided, single submitter. Criteria: ACMG Guidelines, 2015. Collection method: clinical testing. Allele origin: germline. Affected: yes.
Comment: The variant is not observed in the gnomAD v4.1.0 dataset. Predicted Consequence/Location: Missense variant In silico tool predictions suggest damaging effect of the variant on gene or gene product [REVEL: 0.83 (>=0.6, sensitivity 0.68 and specificity 0.92)]. Different missense changes at the same codon have been reported as of uncertain significance (ClinVar ID: VCV003319786). Therefore, this variant is classified as VUS according to the recommendation of ACMG/AMP guideline.